The following is an entry in ClinVar:

NM_000051.4(ATM):c.4660_4661insTTTTTATT (p.Asn1554fs)

Gene: ATM (ATM serine/threonine kinase; plus strand). Cytogenetic location: 11q22.3.
Variant type: Insertion.
Coding change: c.4660_4661insTTTTTATT on transcript NM_000051.4 (MANE Select); coding-DNA positions 4660 to 4661, TTTTTATT inserted.
Protein change: p.Asn1554fs; shifts the reading frame from asparagine 1554.
Molecular consequence: frameshift variant.
Genome position: GRCh38 VCF-style: chr11-108293361-A-ATTTTTATT. GRCh37 (hg19) VCF-style: chr11-108164088-A-ATTTTTATT.
Other names: c.4660_4661insTTTTTATT, p.Asn1554fs (NM_001351834.2); short protein forms N1554fs.
Identifiers: ClinVar variation 1742254 (VCV001742254.2), dbSNP rs2546930752, ClinGen allele CA2580083404.
Genomic context (GRCh38, chr11:108,293,361, plus strand): 5'-AATTATATTTAGGTATTGGACTTGTTGAAATACTTAGTGATAGATAACAAGGATAATGAA[A>ATTTTTATT]ACCTCTATATCACGATTAAGCTTTTAGATCCTTTTCCTGACCATGTTGTTTTTAAGGATT-3'

ClinVar aggregate classification (germline): Pathogenic (1 of 4 stars; one submission).

Conditions:
Hereditary cancer-predisposing syndrome. Also called: Hereditary Cancer Syndrome; Hereditary neoplastic syndrome; Neoplastic Syndromes, Hereditary; Tumor predisposition. Identifiers: Orphanet 140162, MedGen C0027672, MeSH D009386, MONDO:0015356.

Submission:

Ambry Genetics
Classification: Pathogenic for Hereditary cancer-predisposing syndrome. Last evaluated: 2017-09-27. Review status: criteria provided, single submitter. Criteria: Ambry Variant Classification Scheme 2023. Collection method: clinical testing. Allele origin: germline.
Comment: The c.4660_4661insTTTTTATT pathogenic mutation, located in coding exon 30 of the ATM gene, results from an insertion of 8 nucleotides at position 4660, causing a translational frameshift with a predicted alternate stop codon (p.N1554Ifs*12). This alteration is expected to result in loss of function by premature protein truncation or nonsense-mediated mRNA decay. As such, this alteration is interpreted as a disease-causing mutation.